The following is an entry in ClinVar:

NM_000100.4(CSTB):c.28C>G (p.Gln10Glu)

Genes: CSTB (cystatin B; minus strand), LOC130066788 (ATAC-STARR-seq lymphoblastoid silent region 13368; plus strand). Cytogenetic location: 21q22.3.
Variant type: single nucleotide variant.
Coding change: c.28C>G on transcript NM_000100.4 (MANE Select); coding-DNA position 28, C replaced by G.
Protein change: p.Gln10Glu; replaces glutamine 10 with glutamic acid.
Molecular consequence: missense variant.
Genome position (GRCh38, 1-based): chr21:43,776,242, G>C on the plus strand (C>G on the coding strand, the complement: CSTB is on the minus strand). VCF-style: chr21-43776242-G-C. GRCh37 (hg19) VCF-style: chr21-45196123-G-C.
Other names: c.28C>G (NM_000100.2); short protein forms Q10E.
Identifiers: ClinVar variation 579288 (VCV000579288.9), dbSNP rs1399970116, ClinGen allele CA410408669.
Genomic context (GRCh38, chr21:43,776,242, plus strand): 5'-CCCGTCCCCGCGGCCCACCCACCTGGTCGGCGATGTGCTGGGTCTCGGCGGTGGCCGGCT[G>C]CGTGGCGGAGGGCGCCCCGCACATCATCTTGGCGGCGACGGAGGGAATCTGGCGAGGGGA-3'
Protein context (NP_000091.1, residues 1-20): MMCGAPSAT[Gln10Glu]PATAETQHIA

ClinVar aggregate classification (germline): Uncertain significance. Review status: criteria provided, multiple submitters, no conflicts (2 of 4 stars). 2 submissions from 2 submitters: Uncertain significance (2). Last evaluated 2023-10-13.

Conditions:
Inborn genetic diseases. Identifiers: MedGen C0950123, MeSH D030342.
Progressive myoclonic epilepsy. Also called: Familial progressive myoclonic epilepsy; Myoclonus epilepsy; Progressive myoclonus epilepsy; Myoclonic Epilepsies, Progressive. Identifiers: Orphanet 308, Orphanet 98261, MedGen C0751778, MONDO:0020074.

Allele frequency attached by ClinVar (database versions not stated): gnomAD 0.00001; TOPMed 0.00001.
gnomAD v4.1: 31 of 1,529,314 alleles (0.002%); highest among the groups gnomAD compares: Non-Finnish European, 0.0027%; no homozygotes.

Submissions (2):

Labcorp Genetics (formerly Invitae), Labcorp
Classification: Uncertain significance for Progressive myoclonic epilepsy. Last evaluated: 2023-10-13. Review status: criteria provided, single submitter. Criteria: Invitae Variant Classification Sherloc (09022015). Collection method: clinical testing. Allele origin: germline.
Comment: This sequence change replaces glutamine, which is neutral and polar, with glutamic acid, which is acidic and polar, at codon 10 of the CSTB protein (p.Gln10Glu). This variant is not present in population databases (gnomAD no frequency). This variant has not been reported in the literature in individuals affected with CSTB-related conditions. ClinVar contains an entry for this variant (Variation ID: 579288). An algorithm developed to predict the effect of missense changes on protein structure and function (PolyPhen-2) suggests that this variant¬†is likely to be tolerated. In summary, the available evidence is currently insufficient to determine the role of this variant in disease. Therefore, it has been classified as a Variant of Uncertain Significance.

Ambry Genetics
Classification: Uncertain significance for Inborn genetic diseases. Last evaluated: 2021-11-09. Review status: criteria provided, single submitter. Criteria: Ambry Variant Classification Scheme 2023. Collection method: clinical testing. Allele origin: germline.